The following is an entry in ClinVar:

NM_017780.4(CHD7):c.1525C>T (p.Gln509Ter)

Gene: CHD7 (chromodomain helicase DNA binding protein 7; plus strand). Cytogenetic location: 8q12.2.
Variant type: single nucleotide variant.
Coding change: c.1525C>T on transcript NM_017780.4 (MANE Select); coding-DNA position 1525, C replaced by T.
Protein change: p.Gln509Ter; replaces glutamine 509 with a stop codon.
Molecular consequence: nonsense.
Genome position (GRCh38, 1-based): chr8:60,742,957, C>T. VCF-style: chr8-60742957-C-T. GRCh37 (hg19) VCF-style: chr8-61655516-C-T.
Other names: c.1525C>T, p.Gln509Ter (NM_001316690.1); short protein forms Q509*.
Identifiers: ClinVar variation 2710475 (VCV002710475.3), dbSNP rs2487283883, ClinGen allele CA371303312.

ClinVar aggregate classification (germline): Pathogenic (1 of 4 stars; one submission).

Conditions:
CHARGE syndrome (CHARGE). Also called: Hittner Hirsch Kreh syndrome; CHARGE ASSOCIATION--COLOBOMA, HEART ANOMALY, CHOANAL ATRESIA, RETARDATION, GENITAL AND EAR ANOMALIES; Coloboma, heart anomaly, choanal atresia, retardation, genital and ear anomalies; CHARGE association; Hall-Hittner syndrome. Identifiers: Orphanet 138, MedGen C0265354, MONDO:0008965.

Submission:

Labcorp Genetics (formerly Invitae), Labcorp
Classification: Pathogenic for CHARGE syndrome. Last evaluated: 2024-01-20. Review status: criteria provided, single submitter. Criteria: Invitae Variant Classification Sherloc (09022015). Collection method: clinical testing. Allele origin: germline.
Comment: This sequence change creates a premature translational stop signal (p.Gln509*) in the CHD7 gene. It is expected to result in an absent or disrupted protein product. Loss-of-function variants in CHD7 are known to be pathogenic (PMID: 22461308, 25077900). This variant is not present in population databases (gnomAD no frequency). This variant has not been reported in the literature in individuals affected with CHD7-related conditions. For these reasons, this variant has been classified as Pathogenic.

Literature cited by the submitters: PubMed 22461308; PubMed 25077900.